The following is an entry in ClinVar:

NM_001005242.3(PKP2):c.766T>C (p.Leu256=)

Gene: PKP2 (plakophilin 2; minus strand). Cytogenetic location: 12p11.21.
Variant type: single nucleotide variant.
Coding change: c.766T>C on transcript NM_001005242.3 (MANE Select); coding-DNA position 766, T replaced by C.
Protein change: p.Leu256=; no amino-acid change (leucine 256 retained).
Molecular consequence: synonymous variant.
Genome position (GRCh38, 1-based): chr12:32,878,114, A>G on the plus strand (T>C on the coding strand, the complement: PKP2 is on the minus strand). VCF-style: chr12-32878114-A-G. GRCh37 (hg19) VCF-style: chr12-33031048-A-G.
Other names: c.766T>C, p.Leu256= (NM_001407155.1, NM_001407156.1, NM_001407157.1 and 2 more transcripts); c.439T>C, p.Leu147= (NM_001407158.1, NM_001407159.1, NM_001407160.1 and 1 more transcripts).
Identifiers: ClinVar variation 3072061 (VCV003072061.1), dbSNP rs1175956469, ClinGen allele CA479387487.
Genomic context (GRCh38, chr12:32,878,114, plus strand): 5'-GCACCAGCGGCCTGACCTGCCCGACAGTGAGCCCTGCCGTCAGGTAGTTCTCCTTCTCCA[A>G]GAGGTTGCCCATGCTGCGGCTGGTCCCTGGCCTGGGGTACGTGAGCAGGGCCGGGTTGGC-3'
Protein context (NP_001005242.2, residues 246-266): PGTSRSMGNL[Leu256=]EKENYLTAGL

ClinVar aggregate classification (germline): Likely benign (1 of 4 stars; one submission).

Conditions:
Arrhythmogenic right ventricular cardiomyopathy (ARVD). Also called: Arrhythmogenic right ventricular dysplasia; Cardiomyopathy, ARVC; Arrhythmogenic cardiomyopathy; Arrhythmogenic Right Ventricular Cardiomyopathy (ARVC). Identifiers: Orphanet 247, MedGen C0349788, MeSH D019571, MONDO:0016587. Disease mechanism: loss of function. Inheritance: Various modes of inheritance.

Allele frequency attached by ClinVar (database versions not stated): gnomAD exomes below 0.00001.
gnomAD v4.1: 1 of 1,614,214 alleles (0.000062%); highest among the groups gnomAD compares: Non-Finnish European, 0.000085%; no homozygotes.

Submission:

All of Us Research Program, National Institutes of Health
Classification: Likely benign for Arrhythmogenic right ventricular cardiomyopathy. Last evaluated: 2023-11-30. Review status: criteria provided, single submitter. Criteria: ACMG Guidelines, 2015. Collection method: clinical testing. Allele origin: germline. Inheritance: Autosomal dominant inheritance. Observed: 2 variant alleles, 2 heterozygotes.
Comment: This study involves interpretation of variants in research participants for the purpose of population health screening. Participant phenotype was not available at the time of variant classification. Additional details can be found in publication PMID: 35346344, PMCID: PMC8962531